The following is an entry in ClinVar:

ClinVar aggregate classification (germline): Benign/Likely benign. Review status: criteria provided, multiple submitters, no conflicts (2 of 4 stars). 4 submissions from 4 submitters: Benign (1); Likely benign (3). Last evaluated 2025-09-16.

Conditions:
Mitochondrial complex II deficiency, nuclear type 1. Also called: SUCCINATE CoQ REDUCTASE DEFICIENCY. Identifiers: Orphanet 3208, MedGen C5700310, MONDO:0100294, OMIM 252011.
Pheochromocytoma/paraganglioma syndrome 5. Also called: Paragangliomas 5; SDHA-Related Hereditary Paraganglioma-Pheochromocytoma Syndrome. Identifiers: Orphanet 29072, MedGen C3279992, MONDO:0013602, OMIM 614165.
Hereditary cancer-predisposing syndrome. Also called: Neoplastic Syndromes, Hereditary; Hereditary Cancer Syndrome; Hereditary neoplastic syndrome; Tumor predisposition. Identifiers: Orphanet 140162, MedGen C0027672, MeSH D009386, MONDO:0015356.

Allele frequency attached by ClinVar (database versions not stated): TOPMed 0.00002; gnomAD 0.00003; gnomAD exomes 0.00003.
gnomAD v4.1: 39 of 1,613,866 alleles (0.0024%); highest among the groups gnomAD compares: South Asian, 0.018%; no homozygotes.

Submissions (4):

Labcorp Genetics (formerly Invitae), Labcorp
Classification: Likely benign for Pheochromocytoma/paraganglioma syndrome 5; Mitochondrial complex II deficiency, nuclear type 1. Last evaluated: 2025-09-16. Review status: criteria provided, single submitter. Criteria: Invitae Variant Classification Sherloc (09022015). Collection method: clinical testing. Allele origin: germline.

Myriad Genetics, Inc.
Classification: Benign for Pheochromocytoma/paraganglioma syndrome 5. Last evaluated: 2025-03-11. Review status: criteria provided, single submitter. Criteria: Myriad Autosomal Dominant, Autosomal Recessive and X-Linked Classification Criteria (2023). Collection method: clinical testing. Allele origin: unknown.
Comment: This variant is considered benign. This variant is a silent/synonymous amino acid change and it is not expected to impact splicing.

Quest Diagnostics Nichols Institute San Juan Capistrano
Classification: Likely benign. Last evaluated: 2022-11-16. Review status: criteria provided, single submitter. Criteria: Quest Diagnostics criteria. Collection method: clinical testing. Allele origin: unknown.

Ambry Genetics
Classification: Likely benign for Hereditary cancer-predisposing syndrome. Last evaluated: 2018-06-29. Review status: criteria provided, single submitter. Criteria: Ambry Variant Classification Scheme 2023. Collection method: clinical testing. Allele origin: germline.

NM_004168.4(SDHA):c.1773G>A (p.Ala591=)

Gene: SDHA (succinate dehydrogenase complex flavoprotein subunit A; plus strand). Cytogenetic location: 5p15.33.
Variant type: single nucleotide variant.
Coding change: c.1773G>A on transcript NM_004168.4 (MANE Select); coding-DNA position 1773, G replaced by A.
Protein change: p.Ala591=; no amino-acid change (alanine 591 retained).
Molecular consequence: synonymous variant. On other transcripts: intron variant (1).
Genome position (GRCh38, 1-based): chr5:251,447, G>A. VCF-style: chr5-251447-G-A. GRCh37 (hg19) VCF-style: chr5-251562-G-A.
Other names: c.1629G>A, p.Ala543= (NM_001294332.2); c.1552-2946G>A (NM_001330758.2).
Identifiers: ClinVar variation 472356 (VCV000472356.18), dbSNP rs555028212, ClinGen allele CA3173354.